The following is an entry in ClinVar:

ClinVar aggregate classification (germline): Uncertain significance (1 of 4 stars; one submission).

Submission:

Labcorp Genetics (formerly Invitae), Labcorp
Classification: Uncertain significance. Last evaluated: 2022-03-26. Review status: criteria provided, single submitter. Criteria: Invitae Variant Classification Sherloc (09022015). Collection method: clinical testing. Allele origin: germline.
Comment: Algorithms developed to predict the effect of missense changes on protein structure and function (SIFT, PolyPhen-2, Align-GVGD) all suggest that this variant is likely to be tolerated. In summary, the available evidence is currently insufficient to determine the role of this variant in disease. Therefore, it has been classified as a Variant of Uncertain Significance. This variant has not been reported in the literature in individuals affected with CACNA2D4-related conditions. This variant is not present in population databases (gnomAD no frequency). This sequence change replaces proline, which is neutral and non-polar, with arginine, which is basic and polar, at codon 413 of the CACNA2D4 protein (p.Pro413Arg).

NM_172364.5(CACNA2D4):c.1238C>G (p.Pro413Arg)

Gene: CACNA2D4 (calcium voltage-gated channel auxiliary subunit alpha2delta 4; minus strand). Cytogenetic location: 12p13.33.
Variant type: single nucleotide variant.
Coding change: c.1238C>G on transcript NM_172364.5 (MANE Select); coding-DNA position 1238, C replaced by G.
Protein change: p.Pro413Arg; replaces proline 413 with arginine.
Molecular consequence: missense variant.
Genome position (GRCh38, 1-based): chr12:1,884,802, G>C on the plus strand (C>G on the coding strand, the complement: CACNA2D4 is on the minus strand). VCF-style: chr12-1884802-G-C. GRCh37 (hg19) VCF-style: chr12-1993968-G-C.
Other names: short protein forms P413R.
Identifiers: ClinVar variation 1962563 (VCV001962563.5), dbSNP rs758961705, ClinGen allele CA383358247.